The following is an entry in ClinVar:

ClinVar aggregate classification (germline): Uncertain significance (1 of 4 stars; one submission).

Allele frequency attached by ClinVar (database versions not stated): gnomAD 0.00001; TOPMed 0.00001.
gnomAD v4.1: 1 of 1,612,636 alleles (0.000062%); highest among the groups gnomAD compares: Non-Finnish European, 0.000085%; no homozygotes.

Submission:

Labcorp Genetics (formerly Invitae), Labcorp
Classification: Uncertain significance. Last evaluated: 2022-07-05. Review status: criteria provided, single submitter. Criteria: Invitae Variant Classification Sherloc (09022015). Collection method: clinical testing. Allele origin: germline.
Comment: This sequence change replaces leucine, which is neutral and non-polar, with proline, which is neutral and non-polar, at codon 1092 of the ABCC6 protein (p.Leu1092Pro). In summary, the available evidence is currently insufficient to determine the role of this variant in disease. Therefore, it has been classified as a Variant of Uncertain Significance. Advanced modeling of protein sequence and biophysical properties (such as structural, functional, and spatial information, amino acid conservation, physicochemical variation, residue mobility, and thermodynamic stability) performed at Invitae indicates that this missense variant is not expected to disrupt ABCC6 protein function. ClinVar contains an entry for this variant (Variation ID: 1438826). This variant has not been reported in the literature in individuals affected with ABCC6-related conditions. This variant is not present in population databases (gnomAD no frequency).

NM_001171.6(ABCC6):c.3275T>C (p.Leu1092Pro)

Gene: ABCC6 (ATP binding cassette subfamily C member 6; minus strand). Cytogenetic location: 16p13.11.
Variant type: single nucleotide variant.
Coding change: c.3275T>C on transcript NM_001171.6 (MANE Select); coding-DNA position 3275, T replaced by C.
Protein change: p.Leu1092Pro; replaces leucine 1092 with proline.
Molecular consequence: missense variant. On other transcripts: non-coding transcript variant (1).
Genome position (GRCh38, 1-based): chr16:16,165,654, A>G on the plus strand (T>C on the coding strand, the complement: ABCC6 is on the minus strand). VCF-style: chr16-16165654-A-G. GRCh37 (hg19) VCF-style: chr16-16259511-A-G.
Other names: c.2933T>C, p.Leu978Pro (NM_001351800.1); short protein forms L1092P, L978P.
Identifiers: ClinVar variation 1438826 (VCV001438826.6), dbSNP rs2046849427, ClinGen allele CA394882654.